The following is an entry in ClinVar:

ClinVar aggregate classification (germline): Conflicting classifications of pathogenicity. Review status: criteria provided, conflicting classifications (1 of 4 stars). 12 submissions from 12 submitters: Uncertain significance (1); Likely benign (7). 4 of the submissions do not count toward it. Last evaluated 2026-06-01.

Conditions:
TTN-related disorder. Also called: TTN-related disorders; TTN-related condition; TTN-related disease.
Tip-toe gait. Also called: Toe walking. Identifiers: MedGen C0427144, HP:0030051.

Allele frequency attached by ClinVar (database versions not stated): 1000 Genomes Project 30x 0.00031; 1000 Genomes Project 0.00040; gnomAD exomes 0.00046 and 0.00078; ExAC 0.00048; gnomAD 0.00054 and 0.00056; TOPMed 0.00065; ESP Exome Variant Server 0.00092.
gnomAD v4.1: 1,198 of 1,612,972 alleles (0.074%); highest among the groups gnomAD compares: Non-Finnish European, 0.097%; 1 homozygote.

Submissions (12):

CeGaT Center for Human Genetics Tuebingen
Classification: Likely benign. Last evaluated: 2026-06-01. Review status: criteria provided, single submitter. Criteria: CeGaT Center For Human Genetics Tuebingen Variant Classification Criteria Version 2. Collection method: clinical testing. Allele origin: germline. Affected: yes. Observed: 6 variant alleles.
Comment: TTN: BP4

PreventionGenetics, part of Exact Sciences
Classification: Likely benign for TTN-related condition. Last evaluated: 2025-05-07. Review status: criteria provided, single submitter. Criteria: ACMG Guidelines, 2015. Collection method: clinical testing. Allele origin: germline.
Comment: This variant is classified as likely benign based on ACMG/AMP sequence variant interpretation guidelines (Richards et al. 2015 PMID: 25741868, with internal and published modifications).

Molecular Diagnostic Laboratory for Inherited Cardiovascular Disease, Montreal Heart Institute
Classification: Likely benign. Last evaluated: 2025-04-09. Review status: criteria provided, single submitter. Criteria: ACMG Guidelines, 2015. Collection method: clinical testing. Allele origin: germline. Affected: no.

Blueprint Genetics
Classification: Likely benign. Last evaluated: 2024-11-01. Review status: criteria provided, single submitter. Criteria: ACMG Guidelines, 2015. Collection method: clinical testing. Allele origin: germline.

GeneDx
Classification: Likely benign. Last evaluated: 2019-05-31. Review status: criteria provided, single submitter. Criteria: GeneDx Variant Classification Process June 2021. Collection method: clinical testing. Allele origin: germline. Affected: yes.

Eurofins Ntd Llc (ga)
Classification: Uncertain significance. Last evaluated: 2017-12-28. Review status: criteria provided, single submitter. Criteria: EGL Classification Definitions 2015. Collection method: clinical testing. Allele origin: germline. Observed: 7 variant alleles, 7 heterozygotes.

Laboratory for Molecular Medicine, Mass General Brigham Personalized Medicine
Classification: Likely benign. Last evaluated: 2017-11-15. Review status: criteria provided, single submitter. Criteria: LMM Criteria. Collection method: clinical testing. Allele origin: germline. Observed: 3 variant alleles.
Comment: proposed classification - variant undergoing re-assessment, contact laboratory

Biesecker Lab/Clinical Genomics Section, National Institutes of Health
Classification: Likely benign. Last evaluated: 2013-06-24. Review status: criteria provided, single submitter. Criteria: Ng et al. (Circ Cardiovasc Genet. 2013). Collection method: research. Allele origin: unknown. Observed: 2 variant alleles. Study: ClinSeq.
Comment: The study set was not selected for affection status in relation to any cancer. Pathogenicity categories were based on literature curation. See Pubmed ID:23861362 for details.

Medical sequencing

Clinical Genetics, Academic Medical Center
Classification: Likely benign. Review status: no assertion criteria provided. Collection method: clinical testing. Allele origin: germline. Affected: yes. Study: VKGL Data-share Consensus. Not counted in ClinVar's aggregate classification.

Diagnostic Laboratory, Department of Genetics, University Medical Center Groningen
Classification: Likely benign. Review status: no assertion criteria provided. Collection method: clinical testing. Allele origin: germline. Affected: yes. Study: VKGL Data-share Consensus. Not counted in ClinVar's aggregate classification.

Joint Genome Diagnostic Labs from Nijmegen and Maastricht, Radboudumc and MUMC+
Classification: Likely benign. Review status: no assertion criteria provided. Collection method: clinical testing. Allele origin: germline. Affected: yes. Study: VKGL Data-share Consensus. Not counted in ClinVar's aggregate classification.

Practice for Gait Abnormalities, David Pomarino, Competency Network Toe Walking C/o Practice Pomarino
Classification: Likely pathogenic for Tip-toe gait. Review status: no assertion criteria provided. Collection method: clinical testing. Allele origin: germline. Affected: yes. Not counted in ClinVar's aggregate classification.
Comment: Myopathy refers to diseases that affect skeletal Muscles. These diseases attack muscle fibers, making muscles weak. Inherited myopathies are often caused by inheriting an abnormal gene mutation from a parent that causes the disease. Symptoms of congenital myopathies usually start at birth or in early childhood, but may not appear until the teen years or even later in adulthood. Congenital myopathies are somewhat unique compared with other inherited myopathies, as weakness typically affects all muscles and is often not progressive. Symptoms are: Muscle weakness, most commonly of upper arms and shoulders and thighs, muscle cramps, stiffness and spasms, fatigue with exertion and lack of energy. Our patients all walk on tiptoe, so they show similar symptoms. When we genetically test them with our toe walking panel, we find that around 90 per cent of them have a genetic variant that explains their toe walking. These can be assigned, for example, to the area of myopathies (such as variants of the COL6A3 gene), the area of hereditary neuropathies (such as variants of the KMT2C gene) or the area of metabolic diseases (such as variants of the PYGM gene). In a smaller group of patients with almost identical symptoms, no abnormality is found in the genes of our panel, but spastic paraplegia can be detected. In another small group of our toe walkers, no abnormalities can be detected in the genes analysed in our toe walking panel, nor do they suffer from spastic paraplegia, as is also the case with healthy children. In contrast to these, however, they show a tiptoe gait. These patients suffer from infantile cerebral palsy, in which toe walking can also be observed.

Literature cited by the submitters: PubMed 37091313 (cited by Practice for Gait Abnormalities, David Pomarino, Competency Network Toe Walking C/o Practice Pomarino).

NM_133379.5(TTN):c.14078T>C (p.Ile4693Thr)

Genes: TTN (titin; minus strand), LOC126806432 (CDK7 strongly-dependent group 2 enhancer GRCh37_chr2:179611985-179613184; plus strand). Cytogenetic location: 2q31.2.
Variant type: single nucleotide variant.
Coding change: c.14078T>C on transcript NM_133379.5; coding-DNA position 14078, T replaced by C.
Protein change: p.Ile4693Thr; replaces isoleucine 4693 with threonine.
Molecular consequence: missense variant. On other transcripts: intron variant (6).
Genome position (GRCh38, 1-based): chr2:178,748,322, A>G on the plus strand (T>C on the coding strand, the complement: TTN is on the minus strand). VCF-style: chr2-178748322-A-G. GRCh37 (hg19) VCF-style: chr2-179613049-A-G.
Other names: c.10222+4802T>C (NM_003319.4); c.10798+4802T>C (NM_133437.4); c.10597+4802T>C (NM_133432.3); c.10360+4802T>C (NM_001256850.1, NM_133378.4); c.11311+4802T>C (NM_001267550.2); c.14078T>C (NM_133379.4); short protein forms I4693T.
Identifiers: ClinVar variation 178261 (VCV000178261.60), dbSNP rs139486133, ClinGen allele CA181950.